The following is an entry in ClinVar:

NM_003108.4(SOX11):c.1161C>T (p.Ala387=)

Gene: SOX11 (SRY-box transcription factor 11; plus strand). Cytogenetic location: 2p25.2.
Variant type: single nucleotide variant.
Coding change: c.1161C>T on transcript NM_003108.4 (MANE Select); coding-DNA position 1161, C replaced by T.
Protein change: p.Ala387=; no amino-acid change (alanine 387 retained).
Molecular consequence: synonymous variant.
Genome position (GRCh38, 1-based): chr2:5,693,882, C>T. VCF-style: chr2-5693882-C-T. GRCh37 (hg19) VCF-style: chr2-5834014-C-T.
Other names: c.1161C>T (NM_003108.3).
Identifiers: ClinVar variation 1610856 (VCV001610856.9), dbSNP rs923850664, ClinGen allele CA42006716.

ClinVar aggregate classification (germline): Likely benign. Review status: criteria provided, single submitter (1 of 4 stars). 2 submissions from 2 submitters: Likely benign (1). 1 of the submissions does not count toward it. Last evaluated 2023-09-18.

Conditions:
SOX11-related disorder. Also called: SOX11-related condition.

Allele frequency attached by ClinVar (database versions not stated): gnomAD 0.00002; gnomAD exomes 0.00005; TOPMed 0.00008.

Submissions (2):

Labcorp Genetics (formerly Invitae), Labcorp
Classification: Likely benign. Last evaluated: 2023-09-18. Review status: criteria provided, single submitter. Criteria: Invitae Variant Classification Sherloc (09022015). Collection method: clinical testing. Allele origin: germline.

PreventionGenetics, part of Exact Sciences
Classification: Likely benign for SOX11-related condition. Last evaluated: 2024-06-14. Review status: no assertion criteria provided. Collection method: clinical testing. Allele origin: germline. Not counted in ClinVar's aggregate classification.
Comment: This variant is classified as likely benign based on ACMG/AMP sequence variant interpretation guidelines (Richards et al. 2015 PMID: 25741868, with internal and published modifications).